The following is an entry in ClinVar:

NM_000061.3(BTK):c.379del (p.Gln127fs)

Gene: BTK (Bruton tyrosine kinase; minus strand). Cytogenetic location: Xq22.1.
Variant type: Deletion.
Coding change: c.379del on transcript NM_000061.3 (MANE Select); coding-DNA position 379, one base deleted (C; older notation c.379delC).
Protein change: p.Gln127fs; shifts the reading frame from glutamine 127.
Molecular consequence: frameshift variant.
Genome position (GRCh38, 1-based): chrX:101,370,010, G deleted on the plus strand (C on the coding strand, the reverse complement: BTK is on the minus strand); the first of 2 consecutive G bases (chrX:101,370,010-101,370,011); deleting either gives the same sequence. VCF-style (leftmost placement, unchanged base first): chrX-101370009-TG-T. GRCh37 (hg19) VCF-style: chrX-100624997-TG-T.
Other names: c.481del, p.Gln161fs (NM_001287344.2); c.379del, p.Gln127fs (NM_001287345.2); short protein forms Q127fs, Q161fs.
Identifiers: ClinVar variation 2824974 (VCV002824974.3), dbSNP rs2520656988, ClinGen allele CA2739273647.
Genomic context (GRCh38, chrX:101,370,009, plus strand): 5'-TTCCTTTCCTTCTTTCTTTGGAAACATTTATTTTCCAAATAATTCTCACCGTTTTTGAGC[TG>T]GTGAATCCACCGCTTCCTTAGTTCTTCAGTTGGGGAGAAGACGTAGAGAGGCCCTTCATC-3'

ClinVar aggregate classification (germline): Pathogenic (1 of 4 stars; one submission).

Conditions:
X-linked agammaglobulinemia with growth hormone deficiency (IGHD3). Also called: FLEISHER SYNDROME; Isolated growth hormone deficiency type 3; Growth hormone deficiency with hypogammaglobulinemia; AGAMMAGLOBULINEMIA AND ISOLATED GROWTH HORMONE DEFICIENCY, X-LINKED; HYPOGAMMAGLOBULINEMIA AND ISOLATED GROWTH HORMONE DEFICIENCY, X-LINKED; IGHD III. Identifiers: Orphanet 231692, Orphanet 631, MedGen C0472813, MONDO:0010615, OMIM 307200.

Submission:

Labcorp Genetics (formerly Invitae), Labcorp
Classification: Pathogenic for X-linked agammaglobulinemia with growth hormone deficiency. Last evaluated: 2022-12-30. Review status: criteria provided, single submitter. Criteria: Invitae Variant Classification Sherloc (09022015). Collection method: clinical testing. Allele origin: germline.
Comment: For these reasons, this variant has been classified as Pathogenic. This variant has not been reported in the literature in individuals affected with BTK-related conditions. This variant is not present in population databases (gnomAD no frequency). This sequence change creates a premature translational stop signal (p.Gln127Serfs*5) in the BTK gene. It is expected to result in an absent or disrupted protein product. Loss-of-function variants in BTK are known to be pathogenic (PMID: 15661032, 16862044, 19419768).

Literature cited by the submitters: PubMed 15661032; PubMed 16862044; PubMed 19419768.